The following is an entry in ClinVar:

NM_000929.3(PLA2G5):c.185G>A (p.Trp62Ter)

Gene: PLA2G5 (phospholipase A2 group V; plus strand). Cytogenetic location: 1p36.13.
Variant type: single nucleotide variant.
Coding change: c.185G>A on transcript NM_000929.3 (MANE Select); coding-DNA position 185, G replaced by A.
Protein change: p.Trp62Ter; replaces tryptophan 62 with a stop codon.
Molecular consequence: nonsense.
Genome position (GRCh38, 1-based): chr1:20,086,227, G>A. VCF-style: chr1-20086227-G-A. GRCh37 (hg19) VCF-style: chr1-20412720-G-A.
Other names: short protein forms W62*.
Identifiers: ClinVar variation 30161 (VCV000030161.2), dbSNP rs746408116, ClinGen allele CA658191.
Genomic context (GRCh38, chr1:20,086,227, plus strand): 5'-GCTTCTACGGCTGTTACTGCGGCTGGGGCGGCCGAGGAACCCCCAAGGATGGCACCGATT[G>A]GTGAGCTGATCGCTATAACTGCCCTTTAGGCTCCAGGCTCTGCACCCATGTTTTCTTATT-3'

ClinVar aggregate classification (germline): Pathogenic. Review status: criteria provided, single submitter (1 of 4 stars). 2 submissions from 2 submitters: Pathogenic (1). 1 of the submissions does not count toward it. Last evaluated 2025-11-14.

Conditions:
Familial benign flecked retina. Identifiers: Orphanet 363989, MedGen C1856718, MONDO:0009235, OMIM 228980.
Retinal disorder. Also called: Retinopathies; Retinal Diseases; Retinal disorders; Retinopathy. Identifiers: MedGen C0035309, MONDO:0005283, HP:0000488.

Allele frequency attached by ClinVar (database versions not stated): gnomAD exomes 0.00001 and below 0.00001; ExAC 0.00001.

Submissions (2):

North West Genomic Laboratory Hub, Manchester University NHS Foundation Trust
Classification: Pathogenic for Retinal disorders. Last evaluated: 2025-11-14. Review status: criteria provided, single submitter. Criteria: ACGS Best Practice Guidelines for Variant Classification in Rare Disease 2024. Collection method: clinical testing. Allele origin: germline. Affected: yes.
Comment: PVS1_VStr PM3_Supp PM2_Mod

OMIM
Classification: Affects for FLECK RETINA, FAMILIAL BENIGN. Last evaluated: 2011-12-09. Review status: no assertion criteria provided. Collection method: literature only. Allele origin: germline. Not counted in ClinVar's aggregate classification.

Literature cited by the submitters: PubMed 17502520 (cited by OMIM); PubMed 22137173 (cited by OMIM).